The following is an entry in ClinVar:

ClinVar aggregate classification (germline): Likely benign. Review status: criteria provided, multiple submitters, no conflicts (2 of 4 stars). 8 submissions from 5 submitters: Likely benign (8). Last evaluated 2025-04-11.

Conditions:
Hypokalemic periodic paralysis, type 1. Also called: Hypokalemic Periodic Paralysis Type 1 (AD); HypoPP. Identifiers: Orphanet 681, MedGen C3714580, MONDO:0042979, OMIM 170400.
Malignant hyperthermia, susceptibility to, 5 (MHS5). Also called: CACNA1S-Related Malignant Hyperthermia Susceptibility. Identifiers: Orphanet 423, MedGen C1866077, MONDO:0011163, OMIM 601887.
Congenital myopathy 18. Also called: Myopathy, congenital, due to dihydropyridine receptor defect; DIHYDROPYRIDINE RECEPTOR CONGENITAL MYOPATHY; DHPR CONGENITAL MYOPATHY. Identifiers: MedGen C5830283, MONDO:0859514, OMIM 620246.
Thyrotoxic periodic paralysis, susceptibility to, 1 (TTPP1). Identifiers: Orphanet 79102, MedGen C2749982, MONDO:0008570, OMIM 188580.

Allele frequency attached by ClinVar (database versions not stated): gnomAD 0.00001; gnomAD exomes 0.00001 and 0.00002; TOPMed 0.00001; ExAC 0.00002; ESP Exome Variant Server 0.00008.
gnomAD v4.1: 20 of 1,613,902 alleles (0.0012%); highest among the groups gnomAD compares: African/African-American, 0.0053%; no homozygotes.

Submissions (8):

Labcorp Genetics (formerly Invitae), Labcorp
Classification: Likely benign for Hypokalemic periodic paralysis, type 1; Malignant hyperthermia, susceptibility to, 5. Last evaluated: 2025-04-11. Review status: criteria provided, single submitter. Criteria: Invitae Variant Classification Sherloc (09022015). Collection method: clinical testing. Allele origin: germline.

All of Us Research Program, National Institutes of Health
Classification: Likely benign for Malignant hyperthermia, susceptibility to, 5. Last evaluated: 2023-11-20. Review status: criteria provided, single submitter. Criteria: ACMG Guidelines, 2015. Collection method: clinical testing. Allele origin: germline. Inheritance: Autosomal dominant inheritance. Observed: 9 variant alleles, 9 heterozygotes.
Comment: This study involves interpretation of variants in research participants for the purpose of population health screening. Participant phenotype was not available at the time of variant classification. Additional details can be found in publication PMID: 35346344, PMCID: PMC8962531

Genome-Nilou Lab
Classification: Likely benign for Malignant hyperthermia, susceptibility to, 5. Last evaluated: 2023-04-11. Review status: criteria provided, single submitter. Criteria: ACMG Guidelines, 2015. Collection method: clinical testing. Allele origin: germline. Affected: no.

Genome-Nilou Lab
Classification: Likely benign for Thyrotoxic periodic paralysis, susceptibility to, 1. Last evaluated: 2023-04-11. Review status: criteria provided, single submitter. Criteria: ACMG Guidelines, 2015. Collection method: clinical testing. Allele origin: germline. Affected: no.

Genome-Nilou Lab
Classification: Likely benign for Congenital myopathy 18. Last evaluated: 2023-04-11. Review status: criteria provided, single submitter. Criteria: ACMG Guidelines, 2015. Collection method: clinical testing. Allele origin: germline. Affected: no.

Genome-Nilou Lab
Classification: Likely benign for Hypokalemic periodic paralysis, type 1. Last evaluated: 2023-04-11. Review status: criteria provided, single submitter. Criteria: ACMG Guidelines, 2015. Collection method: clinical testing. Allele origin: germline. Affected: no.

Color Diagnostics, LLC DBA Color Health
Classification: Likely benign for Malignant hyperthermia, susceptibility to, 5. Last evaluated: 2022-12-15. Review status: criteria provided, single submitter. Criteria: ACMG Guidelines, 2015. Collection method: clinical testing. Allele origin: germline.

Illumina Laboratory Services, Illumina
Classification: Likely benign for Hypokalemic periodic paralysis, type 1. Last evaluated: 2018-01-13. Review status: criteria provided, single submitter. Criteria: ICSL Variant Classification Criteria 13 December 2019. Collection method: clinical testing. Allele origin: germline.
Comment: This variant was observed in the ICSL laboratory as part of a predisposition screen in an ostensibly healthy population. It had not been previously curated by ICSL or reported in the Human Gene Mutation Database (HGMD: prior to June 1st, 2018), and was therefore a candidate for classification through an automated scoring system. Utilizing variant allele frequency, disease prevalence and penetrance estimates, and inheritance mode, an automated score was calculated to assess if this variant is too frequent to cause the disease. Based on the score and internal cut-off values, a variant classified as likely benign is not then subjected to further curation. The score for this variant resulted in a classification of likely benign for this disease.

NM_000069.3(CACNA1S):c.2931C>T (p.Asp977=)

Gene: CACNA1S (calcium voltage-gated channel subunit alpha1 S; minus strand). Cytogenetic location: 1q32.1.
Variant type: single nucleotide variant.
Coding change: c.2931C>T on transcript NM_000069.3 (MANE Select); coding-DNA position 2931, C replaced by T.
Protein change: p.Asp977=; no amino-acid change (aspartic acid 977 retained).
Molecular consequence: synonymous variant.
Genome position (GRCh38, 1-based): chr1:201,062,066, G>A on the plus strand (C>T on the coding strand, the complement: CACNA1S is on the minus strand). VCF-style: chr1-201062066-G-A. GRCh37 (hg19) VCF-style: chr1-201031194-G-A.
Identifiers: ClinVar variation 873816 (VCV000873816.15), dbSNP rs374912997, ClinGen allele CA079427.
Genomic context (GRCh38, chr1:201,062,066, plus strand): 5'-GAAGTGGAAGTCGCTGTGTACCCACTCGCGGTGACGCAGCTCTATCTGCATGGGGTCCCC[G>A]TCCTTGTACACGTAGTAGTAGCCCCTGTGGCAGGGAGGCCCAGTCACTCCACAGGGCATG-3'
Protein context (NP_000060.2, residues 967-987): ECRGYYYVYK[Asp977=]GDPMQIELRH